The following is an entry in ClinVar:

NM_000059.4(BRCA2):c.5688A>G (p.Ala1896=)

Gene: BRCA2 (BRCA2 DNA repair associated; plus strand). Cytogenetic location: 13q13.1.
Variant type: single nucleotide variant.
Coding change: c.5688A>G on transcript NM_000059.4 (MANE Select); coding-DNA position 5688, A replaced by G.
Protein change: p.Ala1896=; no amino-acid change (alanine 1896 retained).
Molecular consequence: synonymous variant.
Genome position (GRCh38, 1-based): chr13:32,340,043, A>G. VCF-style: chr13-32340043-A-G. GRCh37 (hg19) VCF-style: chr13-32914180-A-G.
Identifiers: ClinVar variation 184134 (VCV000184134.31), dbSNP rs768907899, ClinGen allele CA022988.
Genomic context (GRCh38, chr13:32,340,043, plus strand): 5'-AAACAACGAGAATAAATCAAAAATTTGCCAAACGAAAATTATGGCAGGTTGTTACGAGGC[A>G]TTGGATGATTCAGAGGATATTCTTCATAACTCTCTAGATAATGATGAATGTAGCACGCAT-3'
Protein context (NP_000050.3, residues 1886-1906): QTKIMAGCYE[Ala1896=]LDDSEDILHN

ClinVar aggregate classification (germline): Likely benign. Review status: reviewed by expert panel (3 of 4 stars). 18 submissions from 18 submitters: Likely benign (1). 17 of the submissions do not count toward it. Last evaluated 2017-06-29.

Conditions:
Breast-ovarian cancer, familial, susceptibility to, 2 (BROVCA2). Also called: BRCA2 Hereditary Breast and Ovarian Cancer. Identifiers: Orphanet 145, MedGen C2675520, MONDO:0012933, OMIM 612555. Disease mechanism: loss of function.
Familial cancer of breast. Also called: Hereditary breast cancer; BREAST CANCER, FAMILIAL; hereditary breast carcinoma. Identifiers: Orphanet 227535, MedGen C0346153, MONDO:0016419, OMIM 114480. Disease mechanism: loss of function.
Hereditary cancer-predisposing syndrome. Also called: Neoplastic Syndromes, Hereditary; Tumor predisposition; Hereditary neoplastic syndrome; Hereditary Cancer Syndrome. Identifiers: Orphanet 140162, MedGen C0027672, MeSH D009386, MONDO:0015356.
Hereditary breast ovarian cancer syndrome. Also called: Hereditary breast and/or ovarian cancer syndrome; Breast and ovarian cancer; BRCA1- and BRCA2-Associated Hereditary Breast and Ovarian Cancer; Hereditary breast and ovarian cancer syndrome (HBOC); Hereditary breast and ovarian cancer syndrome; Hereditary breast and ovarian cancer. Identifiers: Orphanet 145, MedGen C0677776, MeSH D061325, MONDO:0003582. Disease mechanism: loss of function.

Allele frequency attached by ClinVar (database versions not stated): ExAC 0.00002; gnomAD 0.00002; gnomAD exomes 0.00002 and 0.00003; TOPMed 0.00002.
gnomAD v4.1: 28 of 1,613,590 alleles (0.0017%); highest among the groups gnomAD compares: Non-Finnish European, 0.0023%; no homozygotes.

Submissions (18):

Evidence-based Network for the Interpretation of Germline Mutant Alleles (ENIGMA)
Classification: Likely benign for Breast-ovarian cancer, familial, susceptibility to, 2. Last evaluated: 2017-06-29. Review status: reviewed by expert panel. Criteria: ENIGMA BRCA1/2 Classification Criteria (2017-06-29). Collection method: curation. Allele origin: germline.
Comment: Synonymous substitution variant, with low bioinformatic likelihood to result in a splicing aberration (Splicing prior probability 0.02).

Labcorp Genetics (formerly Invitae), Labcorp
Classification: Benign for Hereditary breast ovarian cancer syndrome. Last evaluated: 2026-02-03. Review status: criteria provided, single submitter. Criteria: Invitae Variant Classification Sherloc (09022015). Collection method: clinical testing. Allele origin: germline. Not counted in ClinVar's aggregate classification.

Quest Diagnostics Nichols Institute San Juan Capistrano
Classification: Likely benign. Last evaluated: 2024-12-06. Review status: criteria provided, single submitter. Criteria: Quest Diagnostics criteria. Collection method: clinical testing. Allele origin: unknown. Not counted in ClinVar's aggregate classification.

All of Us Research Program, National Institutes of Health
Classification: Likely benign for Breast-ovarian cancer, familial, susceptibility to, 2. Last evaluated: 2023-11-02. Review status: criteria provided, single submitter. Criteria: ACMG Guidelines, 2015. Collection method: clinical testing. Allele origin: germline. Inheritance: Autosomal dominant inheritance. Observed: 9 variant alleles, 9 heterozygotes. Not counted in ClinVar's aggregate classification.
Comment: This study involves interpretation of variants in research participants for the purpose of population health screening. Participant phenotype was not available at the time of variant classification. Additional details can be found in publication PMID: 35346344, PMCID: PMC8962531

Sema4
Classification: Likely benign for Hereditary cancer-predisposing syndrome. Last evaluated: 2021-10-19. Review status: criteria provided, single submitter. Criteria: Sema4 Curation Guidelines. Collection method: curation. Allele origin: germline. Not counted in ClinVar's aggregate classification.

Department of Pathology and Laboratory Medicine, Sinai Health System
Classification: Likely benign for Familial cancer of breast; Breast-ovarian cancer, familial, susceptibility to, 2. Last evaluated: 2021-02-19. Review status: criteria provided, single submitter. Criteria: ACMG Guidelines, 2015. Collection method: clinical testing. Allele origin: germline. Affected: yes. Not counted in ClinVar's aggregate classification.

Molecular Genetics Laboratory, University of Michigan
Classification: Likely benign for Breast-ovarian cancer, familial, susceptibility to, 2. Last evaluated: 2016-04-21. Review status: criteria provided, single submitter. Criteria: ACMG Guidelines, 2015. Collection method: clinical testing. Allele origin: germline. Affected: yes. Not counted in ClinVar's aggregate classification.

Women's Health and Genetics/Laboratory Corporation of America, LabCorp
Classification: Likely benign. Last evaluated: 2016-04-04. Review status: criteria provided, single submitter. Criteria: LabCorp Variant Classification Summary - May 2015. Collection method: clinical testing. Allele origin: germline. Not counted in ClinVar's aggregate classification.
Comment: Variant summary: The BRCA2 c.5688A>G variant affects a non-conserved nucleotide, resulting in no amino acid change. Mutation Taster predicts a benign outcome for this variant, 4/5 Alamut algorithms no change to splice sites, and there are no predicted changes to ESEs. This variant was found in 2/120666 control chromosomes at a frequency of 0.0000166, which does not significantly exceed maximal expected frequency of a pathogenic BRCA2 allele (0.0007503). However, one clinical lab classifies the variant as likely benign (without evidence to independently evaluate), and the variant was reported to co-occur with a pathogenic BRCA1 variant (p.Arg1203X) in one individual from the UMD database. This variant has several supporting evidence lines for a benign outcome, thus in accordance with ACMG guidelines, this BRCA2 synonymous variant was classified as likely benign.

Color Diagnostics, LLC DBA Color Health
Classification: Likely benign for Hereditary cancer-predisposing syndrome. Last evaluated: 2016-01-11. Review status: criteria provided, single submitter. Criteria: ACMG Guidelines, 2015. Collection method: clinical testing. Allele origin: germline. Not counted in ClinVar's aggregate classification.

Clinical Genetics DNA and cytogenetics Diagnostics Lab, Erasmus MC, Erasmus Medical Center
Classification: Likely benign for Breast-ovarian cancer, familial, susceptibility to, 2. Last evaluated: 2015-09-21. Review status: criteria provided, single submitter. Criteria: ACGS Guidelines, 2013. Collection method: clinical testing. Allele origin: germline. Affected: yes. Study: VKGL Data-share Consensus. Not counted in ClinVar's aggregate classification.

GeneDx
Classification: Benign. Last evaluated: 2015-04-21. Review status: criteria provided, single submitter. Criteria: GeneDx Variant Classification (06012015). Collection method: clinical testing. Allele origin: germline. Affected: yes. Not counted in ClinVar's aggregate classification.
Comment: This variant is considered likely benign or benign based on one or more of the following criteria: it is a conservative change, it occurs at a poorly conserved position in the protein, it is predicted to be benign by multiple in silico algorithms, and/or has population frequency not consistent with disease.

Ambry Genetics
Classification: Likely benign for Hereditary cancer-predisposing syndrome. Last evaluated: 2014-11-03. Review status: criteria provided, single submitter. Criteria: Ambry Variant Classification Scheme 2023. Collection method: clinical testing. Allele origin: germline. Not counted in ClinVar's aggregate classification.

Genome Diagnostics Laboratory, University Medical Center Utrecht
Classification: Likely benign for Breast-ovarian cancer, familial, susceptibility to, 2. Last evaluated: 2014-10-10. Review status: criteria provided, single submitter. Criteria: ACGS Guidelines, 2013. Collection method: clinical testing. Allele origin: germline. Affected: yes. Study: VKGL Data-share Consensus. Not counted in ClinVar's aggregate classification.

True Health Diagnostics
Classification: Likely benign for Hereditary cancer-predisposing syndrome. Last evaluated: 2017-09-11. Review status: no assertion criteria provided. Collection method: clinical testing. Allele origin: germline. Not counted in ClinVar's aggregate classification.

Clinical Genetics Laboratory, Department of Pathology, Netherlands Cancer Institute
Classification: Likely benign. Review status: no assertion criteria provided. Collection method: clinical testing. Allele origin: germline. Affected: yes. Study: VKGL Data-share Consensus. Not counted in ClinVar's aggregate classification.

Diagnostic Laboratory, Department of Genetics, University Medical Center Groningen
Classification: Likely benign for Breast-ovarian cancer, familial, susceptibility to, 2. Review status: no assertion criteria provided. Collection method: clinical testing. Allele origin: germline. Affected: yes. Study: VKGL Data-share Consensus. Not counted in ClinVar's aggregate classification.

Joint Genome Diagnostic Labs from Nijmegen and Maastricht, Radboudumc and MUMC+
Classification: Likely benign. Review status: no assertion criteria provided. Collection method: clinical testing. Allele origin: germline. Affected: yes. Study: VKGL Data-share Consensus. Not counted in ClinVar's aggregate classification.

Laboratory of Diagnostic Genome Analysis, Leiden University Medical Center (LUMC)
Classification: Likely benign. Review status: no assertion criteria provided. Collection method: clinical testing. Allele origin: germline. Affected: yes. Study: VKGL Data-share Consensus. Not counted in ClinVar's aggregate classification.

Literature cited by the submitters: PubMed 21120943 (cited by Quest Diagnostics Nichols Institute San Juan Capistrano and Women's Health and Genetics/Laboratory Corporation of America, LabCorp); PubMed 32486089 (cited by Quest Diagnostics Nichols Institute San Juan Capistrano); PubMed 29335924 (cited by Quest Diagnostics Nichols Institute San Juan Capistrano).